The following is an entry in ClinVar:

ClinVar aggregate classification (germline): Uncertain significance. Review status: criteria provided, multiple submitters, no conflicts (2 of 4 stars). 2 submissions from 2 submitters: Uncertain significance (2). Last evaluated 2025-08-27.

Conditions:
Hereditary cancer-predisposing syndrome. Also called: Hereditary neoplastic syndrome; Tumor predisposition; Hereditary Cancer Syndrome; Neoplastic Syndromes, Hereditary. Identifiers: Orphanet 140162, MedGen C0027672, MeSH D009386, MONDO:0015356.

Allele frequency attached by ClinVar (database versions not stated): gnomAD exomes below 0.00001.
gnomAD v4.1: 1 of 1,614,108 alleles (0.000062%); highest among the groups gnomAD compares: South Asian, 0.0011%; no homozygotes.

Submissions (2):

Ambry Genetics
Classification: Uncertain significance for Hereditary cancer-predisposing syndrome. Last evaluated: 2025-08-27. Review status: criteria provided, single submitter. Criteria: Ambry Variant Classification Scheme 2023. Collection method: clinical testing. Allele origin: germline.
Comment: The p.L159P variant (also known as c.476T>C), located in coding exon 6 of the MUTYH gene, results from a T to C substitution at nucleotide position 476. The leucine at codon 159 is replaced by proline, an amino acid with similar properties. This amino acid position is conserved. In addition, this alteration is predicted to be deleterious by in silico analysis. Based on the available evidence, the clinical significance of this variant remains unclear.

Color Diagnostics, LLC DBA Color Health
Classification: Uncertain significance for Hereditary cancer-predisposing syndrome. Last evaluated: 2024-03-06. Review status: criteria provided, single submitter. Criteria: ACMG Guidelines, 2015. Collection method: clinical testing. Allele origin: germline.
Comment: This missense variant replaces leucine with proline at codon 159 of the MUTYH protein. Computational prediction suggests that this variant may have deleterious impact on protein structure and function (internally defined REVEL score threshold >= 0.7, PMID: 27666373). To our knowledge, functional studies have not been reported for this variant. This variant has not been reported in individuals affected with hereditary cancer in the literature. This variant has been identified in 1/250424 chromosomes in the general population by the Genome Aggregation Database (gnomAD). The available evidence is insufficient to determine the role of this variant in disease conclusively. Therefore, this variant is classified as a Variant of Uncertain Significance.

NM_001048174.2(MUTYH):c.392T>C (p.Leu131Pro)

Gene: MUTYH (mutY DNA glycosylase; minus strand). Cytogenetic location: 1p34.1.
Variant type: single nucleotide variant.
Coding change: c.392T>C on transcript NM_001048174.2 (MANE Select); coding-DNA position 392, T replaced by C.
Protein change: p.Leu131Pro; replaces leucine 131 with proline.
Molecular consequence: missense variant. On other transcripts: non-coding transcript variant (2).
Genome position (GRCh38, 1-based): chr1:45,332,946, A>G on the plus strand (T>C on the coding strand, the complement: MUTYH is on the minus strand). VCF-style: chr1-45332946-A-G. GRCh37 (hg19) VCF-style: chr1-45798618-A-G.
Other names: c.392T>C, p.Leu131Pro (NM_001048171.2, NM_001048173.2, NM_001293195.2); c.395T>C, p.Leu132Pro (NM_001048172.2); c.476T>C, p.Leu159Pro (NM_001128425.2); c.437T>C, p.Leu146Pro (NM_001293190.2); c.425T>C, p.Leu142Pro (NM_001293191.2); c.116T>C, p.Leu39Pro (NM_001293192.2, NM_001293196.2); c.47T>C, p.Leu16Pro (NM_001350650.2, NM_001350651.2); c.467T>C, p.Leu156Pro (NM_012222.3); short protein forms L159P, L146P, L156P, L132P, L16P, L39P, L131P, L142P.
Identifiers: ClinVar variation 492044 (VCV000492044.7), dbSNP rs1490584219, ClinGen allele CA340135990.
Genomic context (GRCh38, chr1:45,332,946, plus strand): 5'-TCCTATTTCCCCTACCCTAGGGTGGCTCTCACCTCCAGGGAAGCACTGGCCAGGTCCTGC[A>G]GTGTAGGCCACTTCTATAGCCACAGGCAGGCAGAAAGAGACAAGGTCAAGGGTGAAGGTG-3'
Protein context (NP_001041639.1, residues 121-141): YTGWMQKWPT[Leu131Pro]QDLASASLEE